The following is an entry in ClinVar:

NM_000334.4(SCN4A):c.3229A>G (p.Ile1077Val)

Genes: GH-LCR (growth hormone locus control region; plus strand), SCN4A (sodium voltage-gated channel alpha subunit 4; minus strand). Cytogenetic location: 17q23.3.
Variant type: single nucleotide variant.
Coding change: c.3229A>G on transcript NM_000334.4 (MANE Select); coding-DNA position 3229, A replaced by G.
Protein change: p.Ile1077Val; replaces isoleucine 1077 with valine.
Molecular consequence: missense variant.
Genome position (GRCh38, 1-based): chr17:63,947,979, T>C on the plus strand (A>G on the coding strand, the complement: SCN4A is on the minus strand). VCF-style: chr17-63947979-T-C. GRCh37 (hg19) VCF-style: chr17-62025339-T-C.
Other names: short protein forms I1077V.
Identifiers: ClinVar variation 1918685 (VCV001918685.5), dbSNP rs1210921363, ClinGen allele CA400621143.

ClinVar aggregate classification (germline): Uncertain significance (1 of 4 stars; one submission).

Conditions:
Hyperkalemic periodic paralysis. Also called: Familial hyperkalemic periodic paralysis; Gamstorp disease. Identifiers: Orphanet 682, MedGen C0238357, MONDO:0008224, OMIM 170500, HP:0007215.

Allele frequency attached by ClinVar (database versions not stated): TOPMed below 0.00001.
gnomAD v4.1: 1 of 1,614,012 alleles (0.000062%); highest among the groups gnomAD compares: Non-Finnish European, 0.000085%; no homozygotes.

Submission:

Labcorp Genetics (formerly Invitae), Labcorp
Classification: Uncertain significance for Hyperkalemic periodic paralysis. Last evaluated: 2023-06-10. Review status: criteria provided, single submitter. Criteria: Invitae Variant Classification Sherloc (09022015). Collection method: clinical testing. Allele origin: germline.
Comment: ClinVar contains an entry for this variant (Variation ID: 1918685). Advanced modeling of protein sequence and biophysical properties (such as structural, functional, and spatial information, amino acid conservation, physicochemical variation, residue mobility, and thermodynamic stability) performed at Invitae indicates that this missense variant is not expected to disrupt SCN4A protein function. In summary, the available evidence is currently insufficient to determine the role of this variant in disease. Therefore, it has been classified as a Variant of Uncertain Significance. This variant has not been reported in the literature in individuals affected with SCN4A-related conditions. This variant is not present in population databases (gnomAD no frequency). This sequence change replaces isoleucine, which is neutral and non-polar, with valine, which is neutral and non-polar, at codon 1077 of the SCN4A protein (p.Ile1077Val).